The following is an entry in ClinVar:

ClinVar aggregate classification (germline): Uncertain significance (1 of 4 stars; one submission).

Conditions:
Inborn genetic diseases. Identifiers: MedGen C0950123, MeSH D030342.

Submission:

Ambry Genetics
Classification: Uncertain significance for Inborn genetic diseases. Last evaluated: 2023-06-22. Review status: criteria provided, single submitter. Criteria: Ambry Variant Classification Scheme 2023. Collection method: clinical testing. Allele origin: germline.
Comment: The p.G1979R variant (also known as c.5935G>C), located in coding exon 35 of the ATR gene, results from a G to C substitution at nucleotide position 5935. The glycine at codon 1979 is replaced by arginine, an amino acid with dissimilar properties. This amino acid position is conserved. In addition, this alteration is predicted to be deleterious by in silico analysis. Since supporting evidence is limited at this time, the clinical significance of this alteration remains unclear.

NM_001184.4(ATR):c.5935G>C (p.Gly1979Arg)

Gene: ATR (ATR checkpoint kinase; minus strand). Cytogenetic location: 3q23.
Variant type: single nucleotide variant.
Coding change: c.5935G>C on transcript NM_001184.4 (MANE Select); coding-DNA position 5935, G replaced by C.
Protein change: p.Gly1979Arg; replaces glycine 1979 with arginine.
Molecular consequence: missense variant.
Genome position (GRCh38, 1-based): chr3:142,493,275, C>G on the plus strand (G>C on the coding strand, the complement: ATR is on the minus strand). VCF-style: chr3-142493275-C-G. GRCh37 (hg19) VCF-style: chr3-142212117-C-G.
Other names: c.5743G>C, p.Gly1915Arg (NM_001354579.2); short protein forms G1915R, G1979R.
Identifiers: ClinVar variation 2587545 (VCV002587545.2), dbSNP rs2473143347, ClinGen allele CA354811789.
Genomic context (GRCh38, chr3:142,493,275, plus strand): 5'-GGATTAACATGTTCTTACCCTCAGGTGGGGTTTCATTTTCAGGAAAACATAATTCAACAC[C>G]TTTTTGAAGAACAATTAGTGCCTGGTGAACATCACCCTAAAAGAAAAAAGGCAACAATAA-3'
Protein context (NP_001175.2, residues 1969-1989): VHQALIVLQK[Gly1979Arg]VELCFPENET